The following is an entry in ClinVar:

ClinVar aggregate classification (germline): Pathogenic (1 of 4 stars; one submission).

Conditions:
Neurodevelopmental disorder with coarse facies and mild distal skeletal abnormalities. Also called: STOLERMAN NEURODEVELOPMENTAL SYNDROME. Identifiers: MedGen C5193134, MONDO:0032790, OMIM 618505.

Submission:

Variantyx, Inc.
Classification: Pathogenic for Neurodevelopmental disorder with coarse facies and mild distal skeletal abnormalities. Last evaluated: 2025-08-18. Review status: criteria provided, single submitter. Criteria: Variantyx Assertion Criteria 2022. Collection method: clinical testing. Allele origin: de novo. Inheritance: Autosomal dominant inheritance. Affected: yes.
Comment: This is a nonsense variant in the KDM6B gene (OMIM: 611577). Pathogenic variants in this gene have been associated with autosomal dominant Stolerman neurodevelopmental syndrome. however, the possibility of parental germline mosaicism cannot be excluded (PS2_Moderate). This variant introduces a premature termination codon in exon 21 out of 24 and is expected to result in loss of function, which is a known disease mechanism for KDM6B in this disorder (PMID: 31124279, 37196654) (PVS1). This variant is absent from control populations (PM2). Based on the current evidence, this variant is classified as pathogenic for autosomal dominant Stolerman neurodevelopmental syndrome.

Literature cited by the submitters: PubMed 31124279; PubMed 37196654.

NM_001348716.2(KDM6B):c.4505G>A (p.Trp1502Ter)

Genes: KDM6B (lysine demethylase 6B; plus strand), LOC121587574 (Sharpr-MPRA regulatory region 3930; plus strand). Cytogenetic location: 17p13.1.
Variant type: single nucleotide variant.
Coding change: c.4505G>A on transcript NM_001348716.2 (MANE Select); coding-DNA position 4505, G replaced by A.
Protein change: p.Trp1502Ter; replaces tryptophan 1502 with a stop codon.
Molecular consequence: nonsense.
Genome position (GRCh38, 1-based): chr17:7,852,531, G>A. VCF-style: chr17-7852531-G-A. GRCh37 (hg19) VCF-style: chr17-7755849-G-A.
Other names: c.4505G>A, p.Trp1502Ter (NM_001080424.2); short protein forms W1502*.
Identifiers: ClinVar variation 4850789 (VCV004850789.1).